The following is an entry in ClinVar:

NM_001375567.1(FOCAD):c.2191A>G (p.Ile731Val)

Gene: FOCAD (focadhesin; plus strand). Cytogenetic location: 9p21.3.
Variant type: single nucleotide variant.
Coding change: c.2191A>G on transcript NM_001375567.1 (MANE Select); coding-DNA position 2191, A replaced by G.
Protein change: p.Ile731Val; replaces isoleucine 731 with valine.
Molecular consequence: missense variant.
Genome position (GRCh38, 1-based): chr9:20,874,681, A>G. VCF-style: chr9-20874681-A-G. GRCh37 (hg19) VCF-style: chr9-20874680-A-G.
Other names: c.2086A>G, p.Ile696Val (NM_001375568.1, NM_001375570.1); c.2191A>G, p.Ile731Val (NM_017794.5); c.2191A>G (NM_017794.3); short protein forms I696V, I731V.
Identifiers: ClinVar variation 3625372 (VCV003625372.3).
Genomic context (GRCh38, chr9:20,874,681, plus strand): 5'-AAGATTTTGCATAATGTTTTATTATTATCCTCTCTATGATCTTTTCGCTTATCATTTCAG[A>G]TAAGACCAGAAATTCCCATTCCTGAAGAGTTAGATGACGATGAAGATGTTGAGGATGTGG-3'
Protein context (NP_001362496.1, residues 721-741): EHTILHLPEK[Ile731Val]RPEIPIPEEL

ClinVar aggregate classification (germline): Conflicting classifications of pathogenicity. Review status: criteria provided, conflicting classifications (1 of 4 stars). 2 submissions from 2 submitters: Uncertain significance (1); Likely benign (1). Last evaluated 2025-07-15.

Conditions:
Inborn genetic diseases. Identifiers: MedGen C0950123, MeSH D030342.

gnomAD v4.1: 46 of 1,613,154 alleles (0.0029%); highest among the groups gnomAD compares: South Asian, 0.024%; no homozygotes.

Submissions (2):

Ambry Genetics
Classification: Likely benign for Inborn genetic diseases. Last evaluated: 2025-07-15. Review status: criteria provided, single submitter. Criteria: Ambry Variant Classification Scheme 2023. Collection method: clinical testing. Allele origin: germline.

Labcorp Genetics (formerly Invitae), Labcorp
Classification: Uncertain significance. Last evaluated: 2024-03-07. Review status: criteria provided, single submitter. Criteria: Invitae Variant Classification Sherloc (09022015). Collection method: clinical testing. Allele origin: germline.
Comment: This sequence change replaces isoleucine, which is neutral and non-polar, with valine, which is neutral and non-polar, at codon 731 of the FOCAD protein (p.Ile731Val). This variant is present in population databases (rs561233241, gnomAD 0.02%). This variant has not been reported in the literature in individuals affected with FOCAD-related conditions. Experimental studies and prediction algorithms are not available or were not evaluated, and the functional significance of this variant is currently unknown. In summary, the available evidence is currently insufficient to determine the role of this variant in disease. Therefore, it has been classified as a Variant of Uncertain Significance.